The following is an entry in ClinVar:

NM_000536.4(RAG2):c.328A>G (p.Met110Val)

Gene: RAG2 (recombination activating 2; minus strand). Cytogenetic location: 11p12.
Variant type: single nucleotide variant.
Coding change: c.328A>G on transcript NM_000536.4 (MANE Select); coding-DNA position 328, A replaced by G.
Protein change: p.Met110Val; replaces methionine 110 with valine.
Molecular consequence: missense variant.
Genome position (GRCh38, 1-based): chr11:36,593,841, T>C on the plus strand (A>G on the coding strand, the complement: RAG2 is on the minus strand). VCF-style: chr11-36593841-T-C. GRCh37 (hg19) VCF-style: chr11-36615391-T-C.
Other names: c.328A>G, p.Met110Val (NM_001243785.2, NM_001243786.2); short protein forms M110V.
Identifiers: ClinVar variation 990455 (VCV000990455.2), dbSNP rs193922575, ClinGen allele CA5950591.

ClinVar aggregate classification (germline): Uncertain significance. Review status: criteria provided, single submitter (1 of 4 stars). 2 submissions from 2 submitters: Uncertain significance (1). 1 of the submissions does not count toward it. Last evaluated 2025-09-04.

Conditions:
Histiocytic medullary reticulosis. Also called: SEVERE COMBINED IMMUNODEFICIENCY WITH HYPEREOSINOPHILIA; Omenn syndrome. Identifiers: Orphanet 39041, MedGen C2700553, MONDO:0011338, OMIM 603554.

Allele frequency attached by ClinVar (database versions not stated): gnomAD exomes below 0.00001; ExAC 0.00001.

Submissions (2):

Women's Health and Genetics/Laboratory Corporation of America, LabCorp
Classification: Uncertain significance. Last evaluated: 2025-09-04. Review status: criteria provided, single submitter. Criteria: LabCorp Variant Classification Summary - May 2015. Collection method: clinical testing. Allele origin: germline.
Comment: Variant summary: RAG2 c.328A>G (p.Met110Val) results in a conservative amino acid change in the encoded protein sequence. Algorithms developed to predict the effect of missense changes on protein structure and function are either unavailable or do not agree on the potential impact of this missense change. The variant allele was found at a frequency of 4e-06 in 251412 control chromosomes. The available data on variant occurrences in the general population are insufficient to allow any conclusion about variant significance. To our knowledge, no occurrence of c.328A>G in individuals affected with RAG2-related conditions and no experimental evidence demonstrating its impact on protein function have been reported. ClinVar contains an entry for this variant (Variation ID: 990455). Based on the evidence outlined above, the variant was classified as uncertain significance.

Natera, Inc.
Classification: Uncertain significance for Omenn syndrome. Last evaluated: 2020-04-13. Review status: no assertion criteria provided. Collection method: clinical testing. Allele origin: germline. Not counted in ClinVar's aggregate classification.